The following is an entry in ClinVar:

ClinVar aggregate classification (germline): Uncertain significance. Review status: criteria provided, multiple submitters, no conflicts (2 of 4 stars). 2 submissions from 2 submitters: Uncertain significance (2). Last evaluated 2026-01-06.

gnomAD v4.1: 9 of 1,611,586 alleles (0.00056%); highest among the groups gnomAD compares: East Asian, 0.0022%; no homozygotes.

Submissions (2):

Labcorp Genetics (formerly Invitae), Labcorp
Classification: Uncertain significance. Last evaluated: 2026-01-06. Review status: criteria provided, single submitter. Criteria: Invitae Variant Classification Sherloc (09022015). Collection method: clinical testing. Allele origin: germline.
Comment: This sequence change replaces arginine, which is basic and polar, with serine, which is neutral and polar, at codon 207 of the STEAP3 protein (p.Arg207Ser). This variant is present in population databases (rs748187004, gnomAD 0.003%). This variant has not been reported in the literature in individuals affected with STEAP3-related conditions. ClinVar contains an entry for this variant (Variation ID: 2896855). An algorithm developed to predict the effect of missense changes on protein structure and function (PolyPhen-2) suggests that this variant is likely to be tolerated. In summary, the available evidence is currently insufficient to determine the role of this variant in disease. Therefore, it has been classified as a Variant of Uncertain Significance.

Ambry Genetics
Classification: Uncertain significance. Last evaluated: 2025-02-19. Review status: criteria provided, single submitter. Criteria: Ambry Variant Classification Scheme 2023. Collection method: clinical testing. Allele origin: germline.

NM_182915.3(STEAP3):c.649C>A (p.Arg217Ser)

Genes: STEAP3 (STEAP3 metalloreductase; plus strand), STEAP3-AS1 (STEAP3 antisense RNA 1; minus strand). Cytogenetic location: 2q14.2.
Variant type: single nucleotide variant.
Coding change: c.649C>A on transcript NM_182915.3 (MANE Select); coding-DNA position 649, C replaced by A.
Protein change: p.Arg217Ser; replaces arginine 217 with serine.
Molecular consequence: missense variant.
Genome position (GRCh38, 1-based): chr2:119,247,805, C>A. VCF-style: chr2-119247805-C-A. GRCh37 (hg19) VCF-style: chr2-120005381-C-A.
Other names: c.619C>A, p.Arg207Ser (NM_001008410.2, NM_018234.3, NM_138637.3); c.649C>A (NM_182915.2); short protein forms R217S, R207S.
Identifiers: ClinVar variation 2896855 (VCV002896855.4), dbSNP rs748187004, ClinGen allele CA1846665.